The following is an entry in ClinVar:

NM_001377530.1(DMBT1):c.1752_1753insAG (p.His585fs)

Gene: DMBT1 (deleted in malignant brain tumors 1; plus strand). Cytogenetic location: 10q26.13.
Variant type: Insertion.
Coding change: c.1752_1753insAG on transcript NM_001377530.1 (MANE Select); coding-DNA positions 1752 to 1753, AG inserted.
Protein change: p.His585fs; shifts the reading frame from histidine 585.
Molecular consequence: frameshift variant. On other transcripts: intron variant (1).
Genome position: GRCh38 VCF-style: chr10-122586352-C-CAG. GRCh37 (hg19) VCF-style: chr10-124345868-C-CAG.
Other names: c.1752_1753insAG, p.His585fs (NM_001320644.2, NM_007329.3); c.1722_1723insAG, p.His575fs (NM_017579.3); c.1420+2001_1420+2002insAG (NM_004406.3); short protein forms H575fs, H585fs.
Identifiers: ClinVar variation 2640918 (VCV002640918.24), dbSNP rs745994628, ClinGen allele CA5726907.

ClinVar aggregate classification (germline): Likely benign (1 of 4 stars; one submission).

Allele frequency attached by ClinVar (database versions not stated): 1000 Genomes Project 30x 0.00016; ExAC 0.00108.

Submission:

CeGaT Center for Human Genetics Tuebingen
Classification: Likely benign. Last evaluated: 2023-03-01. Review status: criteria provided, single submitter. Criteria: CeGaT Center For Human Genetics Tuebingen Variant Classification Criteria Version 2. Collection method: clinical testing. Allele origin: germline. Affected: yes. Observed: 1 variant allele.
Comment: DMBT1: BS2